The following is an entry in ClinVar:

NM_001349253.2(SCN11A):c.3158T>G (p.Val1053Gly)

Gene: SCN11A (sodium voltage-gated channel alpha subunit 11; minus strand). Cytogenetic location: 3p22.2.
Variant type: single nucleotide variant.
Coding change: c.3158T>G on transcript NM_001349253.2 (MANE Select); coding-DNA position 3158, T replaced by G.
Protein change: p.Val1053Gly; replaces valine 1053 with glycine.
Molecular consequence: missense variant.
Genome position (GRCh38, 1-based): chr3:38,883,294, A>C on the plus strand (T>G on the coding strand, the complement: SCN11A is on the minus strand). VCF-style: chr3-38883294-A-C. GRCh37 (hg19) VCF-style: chr3-38924785-A-C.
Other names: c.3158T>G, p.Val1053Gly (NM_014139.3); short protein forms V1053G.
Identifiers: ClinVar variation 2941282 (VCV002941282.3), dbSNP rs2470536428, ClinGen allele CA352173019.

ClinVar aggregate classification (germline): Uncertain significance (1 of 4 stars; one submission).

Conditions:
Hereditary sensory and autonomic neuropathy type 7. Also called: HSAN VII; Neuropathy, hereditary sensory and autonomic, type VII. Identifiers: Orphanet 391397, MedGen C3809882, MONDO:0014244, OMIM 615548.
Familial episodic pain syndrome with predominantly lower limb involvement. Also called: Episodic pain syndrome, familial, 3. Identifiers: Orphanet 391384, Orphanet 391392, MedGen C3809899, MONDO:0014247, OMIM 615552.

Submission:

Labcorp Genetics (formerly Invitae), Labcorp
Classification: Uncertain significance for Familial episodic pain syndrome with predominantly lower limb involvement; Hereditary sensory and autonomic neuropathy type 7. Last evaluated: 2022-11-04. Review status: criteria provided, single submitter. Criteria: Invitae Variant Classification Sherloc (09022015). Collection method: clinical testing. Allele origin: germline.
Comment: In summary, the available evidence is currently insufficient to determine the role of this variant in disease. Therefore, it has been classified as a Variant of Uncertain Significance. Advanced modeling of protein sequence and biophysical properties (such as structural, functional, and spatial information, amino acid conservation, physicochemical variation, residue mobility, and thermodynamic stability) performed at Invitae indicates that this missense variant is expected to disrupt SCN11A protein function. This variant has not been reported in the literature in individuals affected with SCN11A-related conditions. This variant is not present in population databases (gnomAD no frequency). This sequence change replaces valine, which is neutral and non-polar, with glycine, which is neutral and non-polar, at codon 1053 of the SCN11A protein (p.Val1053Gly).